The following is an entry in ClinVar:

NM_000400.4(ERCC2):c.1238-1192G>A

Gene: ERCC2 (ERCC excision repair 2, TFIIH core complex helicase subunit; minus strand). Cytogenetic location: 19q13.32.
Variant type: single nucleotide variant.
Coding change: c.1238-1192G>A on transcript NM_000400.4 (MANE Select); 1192 bases into the intron before coding-DNA position 1238, G replaced by A.
Molecular consequence: intron variant. On other transcripts: missense variant (1).
Genome position (GRCh38, 1-based): chr19:45,358,891, C>T on the plus strand (G>A on the coding strand, the complement: ERCC2 is on the minus strand). VCF-style: chr19-45358891-C-T. GRCh37 (hg19) VCF-style: chr19-45862149-C-T.
Other names: c.1187G>A, p.Ser396Asn (NM_001130867.2); short protein forms S396N.
Identifiers: ClinVar variation 997570 (VCV000997570.2), dbSNP rs180850149, ClinGen allele CA9513435.

ClinVar aggregate classification (germline): Uncertain significance (1 of 4 stars; one submission).

Conditions:
Trichothiodystrophy 1, photosensitive (TTD1). Also called: TAY SYNDROME; TRICHOTHIODYSTROPHY WITH CONGENITAL ICHTHYOSIS; PIBIDS SYNDROME. Identifiers: Orphanet 33364, MedGen C1866504, MONDO:0011125, OMIM 601675.

Allele frequency attached by ClinVar (database versions not stated): gnomAD exomes 0.00009; 1000 Genomes Project 30x 0.00031; 1000 Genomes Project 0.00040; TOPMed 0.00004; ExAC 0.00007.

Submission:

Baylor Genetics
Classification: Uncertain significance for Trichothiodystrophy 1, photosensitive. Last evaluated: 2019-01-20. Review status: criteria provided, single submitter. Criteria: ACMG Guidelines, 2015. Collection method: clinical testing. Allele origin: unknown. Affected: yes. Study: CSER-TexasKidsCanSeq.
Comment: This variant was determined to be of uncertain significance according to ACMG Guidelines, 2015 [PMID:25741868].